The following is an entry in ClinVar:

ClinVar aggregate classification (germline): Uncertain significance (1 of 4 stars; one submission).

Conditions:
Capillary malformation-arteriovenous malformation syndrome. Also called: Capillary malformation-arteriovenous malformation. Identifiers: Orphanet 137667, MedGen C1842180, MONDO:0012016.

Submission:

Labcorp Genetics (formerly Invitae), Labcorp
Classification: Uncertain significance for Capillary malformation-arteriovenous malformation syndrome. Last evaluated: 2023-09-01. Review status: criteria provided, single submitter. Criteria: Invitae Variant Classification Sherloc (09022015). Collection method: clinical testing. Allele origin: germline.
Comment: This variant is not present in population databases (gnomAD no frequency). This sequence change replaces leucine, which is neutral and non-polar, with methionine, which is neutral and non-polar, at codon 731 of the RASA1 protein (p.Leu731Met). This variant has not been reported in the literature in individuals affected with RASA1-related conditions. In summary, the available evidence is currently insufficient to determine the role of this variant in disease. Therefore, it has been classified as a Variant of Uncertain Significance. An algorithm developed to predict the effect of missense changes on protein structure and function (PolyPhen-2) suggests that this variant is likely to be disruptive.

NM_002890.3(RASA1):c.2191C>A (p.Leu731Met)

Genes: CCNH (cyclin H; minus strand), RASA1 (RAS p21 protein activator 1; plus strand). Cytogenetic location: 5q14.3.
Variant type: single nucleotide variant.
Coding change: c.2191C>A on transcript NM_002890.3 (MANE Select); coding-DNA position 2191, C replaced by A.
Protein change: p.Leu731Met; replaces leucine 731 with methionine.
Molecular consequence: missense variant. On other transcripts: intron variant (1).
Genome position (GRCh38, 1-based): chr5:87,376,887, C>A. VCF-style: chr5-87376887-C-A. GRCh37 (hg19) VCF-style: chr5-86672704-C-A.
Other names: c.1660C>A, p.Leu554Met (NM_022650.3); c.933+18157G>T (NM_001364075.2); short protein forms L731M, L554M.
Identifiers: ClinVar variation 2757295 (VCV002757295.3), dbSNP rs777558391, ClinGen allele CA360379961.